The following is an entry in ClinVar:

NM_000038.6(APC):c.1466_1467del (p.Thr489fs)

Gene: APC (APC regulator of Wnt signaling pathway; plus strand). Cytogenetic location: 5q22.2.
Variant type: Deletion.
Coding change: c.1466_1467del on transcript NM_000038.6 (MANE Select); coding-DNA positions 1466 to 1467, 2 bases deleted (CT; older notation c.1466_1467delCT).
Protein change: p.Thr489fs; shifts the reading frame from threonine 489.
Molecular consequence: frameshift variant.
Genome position (GRCh38, 1-based): chr5:112,827,165-112,827,166, CT deleted. VCF-style (leftmost placement, unchanged base first): chr5-112827164-ACT-A. GRCh37 (hg19) VCF-style: chr5-112162861-ACT-A.
Other names: c.1466_1467del, p.Thr489fs (NM_001127510.3, NM_001354895.2); c.1412_1413del, p.Thr471fs (NM_001127511.3); c.1520_1521del, p.Thr507fs (NM_001354896.2); c.1496_1497del, p.Thr499fs (NM_001354897.2); c.1391_1392del, p.Thr464fs (NM_001354898.2); c.1382_1383del, p.Thr461fs (NM_001354899.2); c.1343_1344del, p.Thr448fs (NM_001354900.2); c.1289_1290del, p.Thr430fs (NM_001354901.2); and 5 more; short protein forms T461fs, T471fs, T206fs, T329fs, T507fs, T363fs, T398fs, T448fs.
Identifiers: ClinVar variation 917556 (VCV000917556.1), dbSNP rs1763774140, ClinGen allele CA1139658996.

ClinVar aggregate classification (germline): Likely pathogenic (1 of 4 stars; one submission).

Conditions:
Familial multiple polyposis syndrome (FAP). Also called: Familial polyposis; Familial Adenomatous Polyposis (FAP); Classic familial adenomatous polyposis; Familial adenomatous polyposis; Familial intestinal polyposis. Identifiers: Orphanet 733, MedGen C0032580, MONDO:0021055. Disease mechanism: loss of function.

Submission:

Women's Health and Genetics/Laboratory Corporation of America, LabCorp
Classification: Likely pathogenic for Familial adenomatous polyposis. Last evaluated: 2020-01-10. Review status: criteria provided, single submitter. Criteria: LabCorp Variant Classification Summary - May 2015. Collection method: clinical testing. Allele origin: germline.
Comment: Variant summary: APC c.1466_1467delCT (p.Thr489LysfsX2) results in a premature termination codon, predicted to cause a truncation of the encoded protein or absence of the protein due to nonsense mediated decay, which are commonly known mechanisms for disease. Truncations downstream of this position have been classified as pathogenic by our laboratory. The variant was absent in 251188 control chromosomes (gnomAD). To our knowledge, no occurrence of c.1466_1467delCT in individuals affected with Familial Adenomatous Polyposis and no experimental evidence demonstrating its impact on protein function have been reported. No clinical diagnostic laboratories have submitted clinical-significance assessments for this variant to ClinVar after 2014. Based on the evidence outlined above, the variant was classified as likely pathogenic.